The following is an entry in ClinVar:

NM_003816.3(ADAM9):c.1130+2dup

Gene: ADAM9 (ADAM metallopeptidase domain 9; plus strand). Cytogenetic location: 8p11.22.
Variant type: Duplication.
Coding change: c.1130+2dup on transcript NM_003816.3 (MANE Select); the canonical splice donor site of the intron after coding-DNA position 1130, one base duplicated (T; older notation c.1130+2dupT).
Molecular consequence: splice donor variant.
Genome position (GRCh38, 1-based): chr8:39,026,812, T duplicated. VCF-style (leftmost placement, unchanged base first): chr8-39026811-G-GT. GRCh37 (hg19) VCF-style: chr8-38884330-G-GT.
Identifiers: ClinVar variation 1937650 (VCV001937650.5), dbSNP rs751368750, ClinGen allele CA4721529.

ClinVar aggregate classification (germline): Uncertain significance (1 of 4 stars; one submission).

Allele frequency attached by ClinVar (database versions not stated): gnomAD 0.00002; gnomAD exomes 0.00002; ExAC 0.00005.

Submission:

Labcorp Genetics (formerly Invitae), Labcorp
Classification: Uncertain significance. Last evaluated: 2023-07-17. Review status: criteria provided, single submitter. Criteria: Invitae Variant Classification Sherloc (09022015). Collection method: clinical testing. Allele origin: germline.
Comment: In summary, the available evidence is currently insufficient to determine the role of this variant in disease. Therefore, it has been classified as a Variant of Uncertain Significance. Variants that disrupt the consensus splice site are a relatively common cause of aberrant splicing (PMID: 17576681, 9536098). Algorithms developed to predict the effect of sequence changes on RNA splicing suggest that this variant may disrupt the consensus splice site. ClinVar contains an entry for this variant (Variation ID: 1937650). This variant has not been reported in the literature in individuals affected with ADAM9-related conditions. This variant is present in population databases (rs751368750, gnomAD 0.02%). This sequence change falls in intron 11 of the ADAM9 gene. It does not directly change the encoded amino acid sequence of the ADAM9 protein. It affects a nucleotide within the consensus splice site.

Literature cited by the submitters: PubMed 17576681; PubMed 9536098.